The following is an entry in ClinVar:

ClinVar aggregate classification (germline): Benign (0 of 4 stars; one submission).

Conditions:
KCNQ1-related disorder. Also called: KCNQ1-related condition; KCNQ1-related disorders. Identifiers: MedGen CN239322.

Allele frequency attached by ClinVar (database versions not stated): gnomAD exomes 0.99720; TOPMed 0.99800; 1000 Genomes Project 0.99960; 1000 Genomes Project 30x 0.99969.
gnomAD v4.1: 397,358 of 398,382 alleles (100%); highest among the groups gnomAD compares: East Asian, 100%; 198,171 homozygotes.

Submission:

PreventionGenetics, part of Exact Sciences
Classification: Benign for KCNQ1-related condition. Last evaluated: 2019-05-11. Review status: no assertion criteria provided. Collection method: clinical testing. Allele origin: germline.
Comment: This variant is classified as benign based on ACMG/AMP sequence variant interpretation guidelines (Richards et al. 2015 PMID: 25741868, with internal and published modifications).

NM_000218.3(KCNQ1):c.1394-21634C>T

Genes: KCNQ1 (potassium voltage-gated channel subfamily Q member 1; plus strand), KCNQ1OT1 (KCNQ1 opposite strand/antisense transcript 1; minus strand). Cytogenetic location: 11p15.5.
Variant type: single nucleotide variant.
Coding change: c.1394-21634C>T on transcript NM_000218.3 (MANE Select); 21634 bases into the intron before coding-DNA position 1394, C replaced by T.
Molecular consequence: intron variant. On other transcripts: non-coding transcript variant (1).
Genome position (GRCh38, 1-based): chr11:2,640,327, C>T. VCF-style: chr11-2640327-C-T. GRCh37 (hg19) VCF-style: chr11-2661557-C-T.
Other names: c.1124-21634C>T (NM_001406837.1); c.1298-21634C>T (NM_001406836.1); c.854-21634C>T (NM_001406838.1); c.1013-21634C>T (NM_181798.2).
Identifiers: ClinVar variation 3056570 (VCV003056570.2), dbSNP rs4930143, ClinGen allele CA13370376.
Genomic context (GRCh38, chr11:2,640,327, plus strand): 5'-GAAATGCAGAAATCACCCATCTTCTGCGTCACTCACGCTGGGAGCTATAGACTGGAGCTC[C>T]TCCTATTCGGCCATCTTGGAACCACCCCACTTACTGCAATCTTTAACTCCCAGGCTCAAG-3'